The following is an entry in ClinVar:

ClinVar aggregate classification (germline): Pathogenic (1 of 4 stars; one submission).

Conditions:
Factor V and factor VIII, combined deficiency of, type 1. Also called: FMFD I; MULTIPLE COAGULATION FACTOR DEFICIENCY I; FAMILIAL MULTIPLE COAGULATION FACTOR DEFICIENCY I; Combined factor V and VIII deficiency. Identifiers: Orphanet 35909, MedGen C4551981, MONDO:0009206, OMIM 227300.

gnomAD v4.1: 14 of 1,612,138 alleles (0.00087%); highest among the groups gnomAD compares: East Asian, 0.016%; no homozygotes.

Submission:

Juno Genomics, Hangzhou Juno Genomics, Inc
Classification: Pathogenic for Factor V and factor VIII, combined deficiency of, type 1. Review status: criteria provided, single submitter. Criteria: ACMG Guidelines, 2015. Collection method: clinical testing. Allele origin: germline. Affected: yes.
Comment: Absent from controls (or at extremely low frequency if recessive) in Genome Aggregation Database, Exome Sequencing Project, 1000 Genomes Project, or Exome Aggregation Consortium.;Null variant in a gene where loss of function (LOF) is a known mechanism of disease.;For recessive disorders, detected in trans with a pathogenic variant.;Patient's phenotype or family history is highly specific for a disease with a single genetic etiology.

NM_005570.4(LMAN1):c.1366C>T (p.Arg456Ter)

Gene: LMAN1 (lectin, mannose binding 1; minus strand). Cytogenetic location: 18q21.32.
Variant type: single nucleotide variant.
Coding change: c.1366C>T on transcript NM_005570.4 (MANE Select); coding-DNA position 1366, C replaced by T.
Protein change: p.Arg456Ter; replaces arginine 456 with a stop codon.
Molecular consequence: nonsense.
Genome position (GRCh38, 1-based): chr18:59,333,099, G>A on the plus strand (C>T on the coding strand, the complement: LMAN1 is on the minus strand). VCF-style: chr18-59333099-G-A. GRCh37 (hg19) VCF-style: chr18-57000331-G-A.
Other names: short protein forms R456*.
Identifiers: ClinVar variation 3383188 (VCV003383188.2).